The following is an entry in ClinVar:

NM_000202.8(IDS):c.686A>T (p.His229Leu)

Genes: IDS (iduronate 2-sulfatase; minus strand), LOC106050102 (IDS recombination region; plus strand). Cytogenetic location: Xq28.
Variant type: single nucleotide variant.
Coding change: c.686A>T on transcript NM_000202.8 (MANE Select); coding-DNA position 686, A replaced by T.
Protein change: p.His229Leu; replaces histidine 229 with leucine.
Molecular consequence: missense variant. On other transcripts: non-coding transcript variant (1).
Genome position (GRCh38, 1-based): chrX:149,498,129, T>A on the plus strand (A>T on the coding strand, the complement: IDS is on the minus strand). VCF-style: chrX-149498129-T-A. GRCh37 (hg19) VCF-style: chrX-148579660-T-A.
Other names: c.416A>T, p.His139Leu (NM_001166550.4); c.686A>T, p.His229Leu (NM_006123.5); short protein forms H139L, H229L.
Identifiers: ClinVar variation 3255805 (VCV003255805.2).

ClinVar aggregate classification (germline): Pathogenic (1 of 4 stars; one submission).

Conditions:
Mucopolysaccharidosis, MPS-II (MPS2). Also called: Hunter Syndrome; IDURONATE 2-SULFATASE DEFICIENCY; Mucopolysaccharidosis Type II; Mucopolysaccharidosis type 2; Attenuated MPS (subtype; formerly known as mild MPS II); Severe MPS II. Identifiers: Orphanet 580, Orphanet 79388, MedGen C0026705, MONDO:0010674, OMIM 309900.

Submission:

Laboratory of Diagnosis and Therapy of Lysosomal Disorders, University of Padova
Classification: Pathogenic for Mucopolysaccharidosis, MPS-II. Last evaluated: 2024-06-07. Review status: criteria provided, single submitter. Criteria: ACMG Guidelines, 2015. Collection method: literature only. Allele origin: germline. Affected: yes. Observed: 1 variant allele.
Comment: Located in a mutational hot spot and/or critical functional domain (PM1_Moderate), Absent from controls (or at low frequency) in gnomAD database (PM2_Moderate), Missense variant in a gene with a low rate of benign missense variation (PP2_Supporting), Multiple lines of computational evidence support a deleterious effect (PP3_Supporting), Patient’s phenotype or family history highly specific for the disease (PP4_Strong)

Classification method: ACMG Guidelines [PMID:25741868] with modifications

Literature cited by the submitters: PubMed 35005816.